The following is an entry in ClinVar:

ClinVar aggregate classification (germline): Likely benign (1 of 4 stars; one submission).

Submission:

CeGaT Center for Human Genetics Tuebingen
Classification: Likely benign. Last evaluated: 2025-11-01. Review status: criteria provided, single submitter. Criteria: CeGaT Center For Human Genetics Tuebingen Variant Classification Criteria Version 2. Collection method: clinical testing. Allele origin: germline. Affected: yes. Observed: 3 variant alleles.
Comment: RNU4-2: BS1

NC_000012.12:g.120291739_120291744dup

Gene: RNU4-2 (RNA, U4 small nuclear 2; minus strand). Cytogenetic location: 12q24.23.
Variant type: Duplication.
Genome position: GRCh38 VCF-style: chr12-120291736-C-CTTTTCT. GRCh37 (hg19) VCF-style: chr12-120729539-C-CTTTTCT.
Identifiers: ClinVar variation 4085062 (VCV004085062.8).